The following is an entry in ClinVar:

ClinVar aggregate classification (germline): Uncertain significance (1 of 4 stars; one submission).

Conditions:
Long QT syndrome (LQTS). Identifiers: MedGen C0023976, MeSH D008133, MONDO:0002442. Disease mechanism: loss of function. Inheritance: Various modes of inheritance.

gnomAD v4.1: 6 of 1,613,924 alleles (0.00037%); highest among the groups gnomAD compares: Non-Finnish European, 0.00051%; no homozygotes.

Submission:

Labcorp Genetics (formerly Invitae), Labcorp
Classification: Uncertain significance for Long QT syndrome. Last evaluated: 2020-08-22. Review status: criteria provided, single submitter. Criteria: Invitae Variant Classification Sherloc (09022015). Collection method: clinical testing. Allele origin: germline.
Comment: This variant is not present in population databases (ExAC no frequency). This sequence change replaces glutamic acid with glutamine at codon 1550 of the ANK2 protein (p.Glu1550Gln). The glutamic acid residue is moderately conserved and there is a small physicochemical difference between glutamic acid and glutamine. In summary, the available evidence is currently insufficient to determine the role of this variant in disease. Therefore, it has been classified as a Variant of Uncertain Significance. Algorithms developed to predict the effect of missense changes on protein structure and function are either unavailable or do not agree on the potential impact of this missense change (SIFT: "Tolerated"; PolyPhen-2: "Probably Damaging"; Align-GVGD: "Class C0"). This variant has not been reported in the literature in individuals with ANK2-related conditions.

NM_001148.6(ANK2):c.4648G>C (p.Glu1550Gln)

Gene: ANK2 (ankyrin 2; plus strand). Cytogenetic location: 4q26.
Variant type: single nucleotide variant.
Coding change: c.4648G>C on transcript NM_001148.6 (MANE Select); coding-DNA position 4648, G replaced by C.
Protein change: p.Glu1550Gln; replaces glutamic acid 1550 with glutamine.
Molecular consequence: missense variant. On other transcripts: intron variant (68).
Genome position (GRCh38, 1-based): chr4:113,353,266, G>C. VCF-style: chr4-113353266-G-C. GRCh37 (hg19) VCF-style: chr4-114274422-G-C.
Other names: c.4414G>C, p.Glu1472Gln (NM_001386142.1); c.1048G>C, p.Glu350Gln (NM_001386166.1); c.4789G>C, p.Glu1597Gln (NM_001386174.1); c.4765G>C, p.Glu1589Gln (NM_001386175.1); c.4411+3017G>C (NM_001386186.2, NM_001386148.2); c.4213+3017G>C (NM_001354269.3); c.4291+3017G>C (NM_001386187.2); c.4252+3017G>C (NM_001386147.1); and 35 more; short protein forms E1472Q, E1550Q, E1589Q, E1597Q, E350Q.
Identifiers: ClinVar variation 1055870 (VCV001055870.5), dbSNP rs2154016099, ClinGen allele CA357915261.
Genomic context (GRCh38, chr4:113,353,266, plus strand): 5'-GGTTCTATTAAAGTGAAGGAGCTGGTGAAGGCTGCTGAGGAAGAGCCAGGAGAGCCTTTT[G>C]AAATCGTTGAAAGAGTTAAAGAGGACTTAGAGAAAGTGAATGAAATCCTGAGAAGTGGAA-3'
Protein context (NP_001139.3, residues 1540-1560): AAEEEPGEPF[Glu1550Gln]IVERVKEDLE